The following is an entry in ClinVar:

ClinVar aggregate classification (germline): Pathogenic/Likely pathogenic. Review status: criteria provided, multiple submitters, no conflicts (2 of 4 stars). 2 submissions from 2 submitters: Pathogenic (1); Likely pathogenic (1). Last evaluated 2026-01-10.

Conditions:
Pyruvate dehydrogenase E1-alpha deficiency (PDHAD). Also called: ATAXIA, INTERMITTENT, WITH PYRUVATE DEHYDROGENASE DEFICIENCY; ATAXIA WITH LACTIC ACIDOSIS I; ATAXIA, INTERMITTENT, WITH ABNORMAL PYRUVATE METABOLISM; Ataxia, intermittent, with pyruvate dehydrogenase, or decarboxylase, deficiency. Identifiers: Orphanet 79243, MedGen C1839413, MONDO:0010717, OMIM 312170.

Submissions (2):

GeneDx
Classification: Pathogenic. Last evaluated: 2026-01-10. Review status: criteria provided, single submitter. Criteria: GeneDx Variant Classification Process June 2021. Collection method: clinical testing. Allele origin: germline.
Comment: Not observed at significant frequency in large population cohorts (gnomAD); In-frame deletion of 8 amino acids in a non-repeat region; In silico analysis supports a deleterious effect on protein structure/function; Has not been previously published as pathogenic or benign to our knowledge

Neuberg Centre For Genomic Medicine, NCGM
Classification: Likely pathogenic for Pyruvate dehydrogenase E1-alpha deficiency. Last evaluated: 2023-06-22. Review status: criteria provided, single submitter. Criteria: ACMG Guidelines, 2015. Collection method: clinical testing. Allele origin: germline. Inheritance: Autosomal dominant inheritance. Affected: yes.
Comment: The observed frameshift variant c.1011_1034del(p.Asp339_Ile346del) in the PDHA1 gene has not been reported previously as a pathogenic variant nor as a benign variant, to our knowledge. This variant is absent in the gnomAD Exomes. This p.Asp339_Ile346del causes deletion of amino acid Aspartic Acid at position 339 to Isoleucine at position 346. This variant has been reported to the ClinVar database as Pathogenic with a status of criteria provided, single submitter. Though this variant is present in the last exon, there are several pathogenic/likely pathogenic heterozygous variants reported beyond this position in the ClinVar database. This variant is predicted to cause loss of normal protein function through protein truncation. Loss of function variants have been previously reported to be disease causing (Bedoyan JK, et al., 2019). For these reasons, this variant has been classified as Likely Pathogenic.

NM_000284.4(PDHA1):c.1011_1034del

Gene: PDHA1 (pyruvate dehydrogenase E1 subunit alpha 1; plus strand). Cytogenetic location: Xp22.12.
Variant type: Deletion.
Coding change: c.1011_1034del on transcript NM_000284.4 (MANE Select); coding-DNA positions 1011 to 1034, 24 bases deleted (AATTGATGTGGAAGTGAGGAAGGA).
Molecular consequence: splice acceptor variant.
Genome position (GRCh38, 1-based): chrX:19,359,491-19,359,514, AATTGATGTGGAAGTGAGGAAGGA deleted; deleting any 24 consecutive bases within chrX:19,359,487-19,359,514 gives the same sequence; the c. name uses the placement nearest the transcript's 3' end. VCF-style (leftmost placement, unchanged base first): chrX-19359486-TAGGAAATTGATGTGGAAGTGAGGA-T. GRCh37 (hg19) VCF-style: chrX-19377604-TAGGAAATTGATGTGGAAGTGAGGA-T.
Identifiers: ClinVar variation 2497875 (VCV002497875.3), dbSNP rs2518507553, ClinGen allele CA2580100433.